The following is an entry in ClinVar:

ClinVar aggregate classification (germline): Uncertain significance (1 of 4 stars; one submission).

Allele frequency attached by ClinVar (database versions not stated): gnomAD 0.00001.
gnomAD v4.1: 4 of 1,613,914 alleles (0.00025%); highest among the groups gnomAD compares: Admixed American, 0.0017%; no homozygotes.

Submission:

Labcorp Genetics (formerly Invitae), Labcorp
Classification: Uncertain significance. Last evaluated: 2022-11-29. Review status: criteria provided, single submitter. Criteria: Invitae Variant Classification Sherloc (09022015). Collection method: clinical testing. Allele origin: germline.
Comment: In summary, the available evidence is currently insufficient to determine the role of this variant in disease. Therefore, it has been classified as a Variant of Uncertain Significance. Advanced modeling of protein sequence and biophysical properties (such as structural, functional, and spatial information, amino acid conservation, physicochemical variation, residue mobility, and thermodynamic stability) performed at Invitae indicates that this missense variant is expected to disrupt GTPBP3 protein function. This variant is not present in population databases (gnomAD no frequency). This sequence change replaces arginine, which is basic and polar, with tryptophan, which is neutral and slightly polar, at codon 146 of the GTPBP3 protein (p.Arg146Trp). This variant has not been reported in the literature in individuals affected with GTPBP3-related conditions.

NM_032620.4(GTPBP3):c.436C>T (p.Arg146Trp)

Gene: GTPBP3 (GTP binding protein 3, mitochondrial; plus strand). Cytogenetic location: 19p13.11.
Variant type: single nucleotide variant.
Coding change: c.436C>T on transcript NM_032620.4 (MANE Select); coding-DNA position 436, C replaced by T.
Protein change: p.Arg146Trp; replaces arginine 146 with tryptophan.
Molecular consequence: missense variant.
Genome position (GRCh38, 1-based): chr19:17,338,586, C>T. VCF-style: chr19-17338586-C-T. GRCh37 (hg19) VCF-style: chr19-17449395-C-T.
Other names: c.436C>T, p.Arg146Trp (NM_001128855.3, NM_133644.4); c.502C>T, p.Arg168Trp (NM_001195422.1); short protein forms R146W, R168W.
Identifiers: ClinVar variation 2148160 (VCV002148160.4), dbSNP rs762627810, ClinGen allele CA404732875.